The following is an entry in ClinVar:

NM_003072.5(SMARCA4):c.2739G>A (p.Pro913=)

Gene: SMARCA4 (SWI/SNF related BAF chromatin remodeling complex subunit ATPase 4; plus strand). Cytogenetic location: 19p13.2.
Variant type: single nucleotide variant.
Coding change: c.2739G>A on transcript NM_003072.5 (MANE Select); coding-DNA position 2739, G replaced by A.
Protein change: p.Pro913=; no amino-acid change (proline 913 retained).
Molecular consequence: synonymous variant. On other transcripts: non-coding transcript variant (1).
Genome position (GRCh38, 1-based): chr19:11,021,847, G>A. VCF-style: chr19-11021847-G-A. GRCh37 (hg19) VCF-style: chr19-11132523-G-A.
Other names: c.2739G>A, p.Pro913= (NM_001128844.3, NM_001128845.2, NM_001128846.2 and 5 more transcripts).
Identifiers: ClinVar variation 238414 (VCV000238414.25), dbSNP rs183695281, ClinGen allele CA9204220.

ClinVar aggregate classification (germline): Benign/Likely benign. Review status: criteria provided, multiple submitters, no conflicts (2 of 4 stars). 8 submissions from 8 submitters: Benign (4); Likely benign (3). 1 of the submissions does not count toward it. Last evaluated 2026-07-13.

Conditions:
SMARCA4-related disorder. Also called: SMARCA4-related condition.
Hereditary cancer-predisposing syndrome. Also called: Hereditary Cancer Syndrome; Tumor predisposition; Hereditary neoplastic syndrome; Neoplastic Syndromes, Hereditary. Identifiers: Orphanet 140162, MedGen C0027672, MeSH D009386, MONDO:0015356.
Intellectual disability, autosomal dominant 16 (CSS4). Also called: COFFIN-SIRIS SYNDROME 4. Identifiers: Orphanet 1465, MedGen C3553249, MONDO:0013821, OMIM 614609.
Rhabdoid tumor predisposition syndrome 2 (RTPS2). Identifiers: Orphanet 231108, Orphanet 69077, MedGen C2750074, MONDO:0013224, OMIM 613325.

Allele frequency attached by ClinVar (database versions not stated): gnomAD exomes 0.00005 and 0.00017; ExAC 0.00012; TOPMed 0.00012; 1000 Genomes Project 0.00040; gnomAD 0.00014; 1000 Genomes Project 30x 0.00031.
gnomAD v4.1: 95 of 1,613,730 alleles (0.0059%); highest among the groups gnomAD compares: East Asian, 0.12%; no homozygotes.

Submissions (8):

Myriad Genetics, Inc.
Classification: Benign for Rhabdoid tumor predisposition syndrome 2. Last evaluated: 2026-07-13. Review status: criteria provided, single submitter. Criteria: Myriad Autosomal Dominant, Autosomal Recessive and X-Linked Classification Criteria (2023). Collection method: clinical testing. Allele origin: unknown.
Comment: This variant is considered benign. This variant is a silent/synonymous amino acid change and it is not expected to impact splicing.

Labcorp Genetics (formerly Invitae), Labcorp
Classification: Benign for Rhabdoid tumor predisposition syndrome 2. Last evaluated: 2026-01-31. Review status: criteria provided, single submitter. Criteria: Invitae Variant Classification Sherloc (09022015). Collection method: clinical testing. Allele origin: germline.

Sema4
Classification: Benign for Hereditary cancer-predisposing syndrome. Last evaluated: 2021-11-24. Review status: criteria provided, single submitter. Criteria: Sema4 Curation Guidelines. Collection method: curation. Allele origin: germline.

Genome-Nilou Lab
Classification: Benign for Intellectual disability, autosomal dominant 16. Last evaluated: 2021-07-15. Review status: criteria provided, single submitter. Criteria: ACMG Guidelines, 2015. Collection method: clinical testing. Allele origin: germline. Affected: no.

Ambry Genetics
Classification: Likely benign for Hereditary cancer-predisposing syndrome. Last evaluated: 2016-03-20. Review status: criteria provided, single submitter. Criteria: Ambry Variant Classification Scheme 2023. Collection method: clinical testing. Allele origin: germline.

Genetic Services Laboratory, University of Chicago
Classification: Likely benign. Last evaluated: 2015-10-12. Review status: criteria provided, single submitter. Criteria: ACMG Guidelines, 2015. Collection method: clinical testing. Allele origin: germline. Affected: no.

Breakthrough Genomics
Classification: Likely benign. Review status: criteria provided, single submitter. Criteria: ACMG Guidelines, 2015. Collection method: not provided. Allele origin: germline. Inheritance: Autosomal dominant inheritance. Affected: yes.

PreventionGenetics, part of Exact Sciences
Classification: Likely benign for SMARCA4-related condition. Last evaluated: 2024-01-16. Review status: no assertion criteria provided. Collection method: clinical testing. Allele origin: germline. Not counted in ClinVar's aggregate classification.
Comment: This variant is classified as likely benign based on ACMG/AMP sequence variant interpretation guidelines (Richards et al. 2015 PMID: 25741868, with internal and published modifications).